The following is an entry in ClinVar:

NM_001035.3(RYR2):c.749G>A (p.Gly250Glu)

Gene: RYR2 (ryanodine receptor 2; plus strand). Cytogenetic location: 1q43.
Variant type: single nucleotide variant.
Coding change: c.749G>A on transcript NM_001035.3 (MANE Select); coding-DNA position 749, G replaced by A.
Protein change: p.Gly250Glu; replaces glycine 250 with glutamic acid.
Molecular consequence: missense variant.
Genome position (GRCh38, 1-based): chr1:237,388,159, G>A. VCF-style: chr1-237388159-G-A. GRCh37 (hg19) VCF-style: chr1-237551459-G-A.
Other names: short protein forms G250E.
Identifiers: ClinVar variation 4536584 (VCV004536584.1).

ClinVar aggregate classification (germline): Uncertain significance (1 of 4 stars; one submission).

Submission:

GeneDx
Classification: Uncertain significance. Last evaluated: 2025-06-04. Review status: criteria provided, single submitter. Criteria: GeneDx Variant Classification Process June 2021. Collection method: clinical testing. Allele origin: germline. Affected: yes.
Comment: Not observed at significant frequency in large population cohorts (gnomAD); In silico analysis suggests that this missense variant does not alter protein structure/function; Has not been previously published as pathogenic or benign to our knowledge; Located in one of the three hot-spot regions of the RYR2 gene, where the majority of pathogenic missense variants occur (PMID: 19926015); This variant is associated with the following publications: (PMID: 19926015)